The following is an entry in ClinVar:

NM_002474.3(MYH11):c.57C>A (p.Asn19Lys)

Gene: MYH11 (myosin heavy chain 11; minus strand). Cytogenetic location: 16p13.11.
Variant type: single nucleotide variant.
Coding change: c.57C>A on transcript NM_002474.3 (MANE Select); coding-DNA position 57, C replaced by A.
Protein change: p.Asn19Lys; replaces asparagine 19 with lysine.
Molecular consequence: missense variant.
Genome position (GRCh38, 1-based): chr16:15,838,196, G>T on the plus strand (C>A on the coding strand, the complement: MYH11 is on the minus strand). VCF-style: chr16-15838196-G-T. GRCh37 (hg19) VCF-style: chr16-15932053-G-T.
Other names: c.57C>A, p.Asn19Lys (NM_001040113.2, NM_001040114.2, NM_022844.3); short protein forms N19K.
Identifiers: ClinVar variation 923360 (VCV000923360.4), dbSNP rs148464745, ClinGen allele CA395198916.

ClinVar aggregate classification (germline): Uncertain significance (1 of 4 stars; one submission).

Conditions:
Familial thoracic aortic aneurysm and aortic dissection (TAAD). Also called: Thoracic aortic aneurysms and dissections. Identifiers: Orphanet 91387, MedGen C4707243, MONDO:0019625.

gnomAD v4.1: 1 of 1,614,148 alleles (0.000062%); highest among the groups gnomAD compares: East Asian, 0.0022%; no homozygotes.

Submission:

Color Diagnostics, LLC DBA Color Health
Classification: Uncertain significance for Familial thoracic aortic aneurysm and aortic dissection. Last evaluated: 2024-03-06. Review status: criteria provided, single submitter. Criteria: ACMG Guidelines, 2015. Collection method: clinical testing. Allele origin: germline.
Comment: This missense variant replaces asparagine with lysine at codon 19 of the MYH11 protein. Computational prediction suggests that this variant may not impact protein structure and function (internally defined REVEL score threshold <= 0.5, PMID: 27666373). Splice site prediction tools suggest that this variant may not impact RNA splicing. To our knowledge, functional studies have not been reported for this variant. This variant has not been reported in individuals affected with cardiovascular disorders in the literature. This variant has been identified in 1/249778 chromosomes in the general population by the Genome Aggregation Database (gnomAD). The available evidence is insufficient to determine the role of this variant in disease conclusively. Therefore, this variant is classified as a Variant of Uncertain Significance.